The following is an entry in ClinVar:

NM_001110556.2(FLNA):c.6034G>A (p.Val2012Met)

Gene: FLNA (filamin A; minus strand). Cytogenetic location: Xq28.
Variant type: single nucleotide variant.
Coding change: c.6034G>A on transcript NM_001110556.2 (MANE Select); coding-DNA position 6034, G replaced by A.
Protein change: p.Val2012Met; replaces valine 2012 with methionine.
Molecular consequence: missense variant.
Genome position (GRCh38, 1-based): chrX:154,353,193, C>T on the plus strand (G>A on the coding strand, the complement: FLNA is on the minus strand). VCF-style: chrX-154353193-C-T. GRCh37 (hg19) VCF-style: chrX-153581561-C-T.
Other names: c.6010G>A, p.Val2004Met (NM_001456.4); c.6010G>A (NM_001456.3); short protein forms V2004M, V2012M.
Identifiers: ClinVar variation 2419122 (VCV002419122.7), dbSNP rs1226982948, ClinGen allele CA415196666.

ClinVar aggregate classification (germline): Conflicting classifications of pathogenicity. Review status: criteria provided, conflicting classifications (1 of 4 stars). 2 submissions from 2 submitters: Uncertain significance (1); Benign (1). Last evaluated 2025-03-01.

Conditions:
Melnick-Needles syndrome (MNS). Also called: MELNICK-NEEDLES OSTEODYSPLASTY; OSTEODYSPLASTY OF MELNICK AND NEEDLES; Melnick-Needles Syndrome (FLNA-MNS). Identifiers: Orphanet 2484, MedGen C0025237, MONDO:0010650, OMIM 309350.
Frontometaphyseal dysplasia (FMD1). Identifiers: Orphanet 1826, MedGen C0265293, MONDO:0015942.
Oto-palato-digital syndrome, type II (OPD2). Also called: FACIOPALATOOSSEOUS SYNDROME; OPD II SYNDROME; Otopalatodigital Syndrome Type 2 (FLNA-OPD2); Otopalatodigital Syndrome, Type II. Identifiers: Orphanet 669, Orphanet 90652, MedGen C1844696, MONDO:0010571, OMIM 304120.
Heterotopia, periventricular, X-linked dominant (PVNH1). Also called: PERIVENTRICULAR NODULAR HETEROTOPIA 1; X-linked periventricular heterotopia; PERIVENTRICULAR NODULAR HETEROTOPIA 4; HETEROTOPIA, PERIVENTRICULAR, 1. Identifiers: Orphanet 2149, Orphanet 82004, MedGen C1848213, MONDO:0010233, OMIM 300049.
Familial thoracic aortic aneurysm and aortic dissection (TAAD). Also called: Thoracic aortic aneurysms and dissections. Identifiers: Orphanet 91387, MedGen C4707243, MONDO:0019625.

Allele frequency attached by ClinVar (database versions not stated): gnomAD exomes 0.00001.
gnomAD v4.1: 8 of 1,211,539 alleles (0.00066%); highest among the groups gnomAD compares: Non-Finnish European, 0.00078%; no homozygotes.

Submissions (2):

Ambry Genetics
Classification: Uncertain significance for Familial thoracic aortic aneurysm and aortic dissection. Last evaluated: 2025-03-01. Review status: criteria provided, single submitter. Criteria: Ambry Variant Classification Scheme 2023. Collection method: clinical testing. Allele origin: germline.
Comment: The p.V2004M variant (also known as c.6010G>A), located in coding exon 36 of the FLNA gene, results from a G to A substitution at nucleotide position 6010. The valine at codon 2004 is replaced by methionine, an amino acid with highly similar properties. Based on data from gnomAD, the A allele has an overall frequency of 0.0005% (1/181527) total alleles studied, with no hemizygote(s) observed. The highest observed frequency was 0.007% (1/13553) of East Asian alleles. This amino acid position is well conserved in available vertebrate species. In addition, this alteration is predicted to be tolerated by in silico analysis. Based on the available evidence, the clinical significance of this variant remains unclear.

Labcorp Genetics (formerly Invitae), Labcorp
Classification: Benign for Oto-palato-digital syndrome, type II; Heterotopia, periventricular, X-linked dominant; Frontometaphyseal dysplasia; Melnick-Needles syndrome. Last evaluated: 2022-10-19. Review status: criteria provided, single submitter. Criteria: Invitae Variant Classification Sherloc (09022015). Collection method: clinical testing. Allele origin: germline.